The following is an entry in ClinVar:

ClinVar aggregate classification (germline): Conflicting classifications of pathogenicity. Review status: criteria provided, conflicting classifications (1 of 4 stars). 3 submissions from 3 submitters: Uncertain significance (1); Likely benign (1). 1 of the submissions does not count toward it. Last evaluated 2026-02-25.

Conditions:
KMT2D-related disorder. Also called: KMT2D-Related Disorders.
Kabuki syndrome. Also called: NIIKAWA-KUROKI SYNDROME; Kabuki make-up syndrome. Identifiers: Orphanet 2322, MedGen C0796004, MONDO:0016512.

Allele frequency attached by ClinVar (database versions not stated): gnomAD exomes below 0.00001; TOPMed below 0.00001; gnomAD 0.00001.
gnomAD v4.1: 7 of 1,604,374 alleles (0.00044%); highest among the groups gnomAD compares: South Asian, 0.0011%; no homozygotes.

Submissions (3):

PreventionGenetics, part of Exact Sciences
Classification: Uncertain significance for KMT2D-related condition. Last evaluated: 2026-02-25. Review status: criteria provided, single submitter. Criteria: ACMG Guidelines, 2015. Collection method: clinical testing. Allele origin: germline.
Comment: The KMT2D c.9418A>G variant is predicted to result in the amino acid substitution p.Lys3140Glu. To our knowledge, this variant has not been reported in the literature in individuals with KMT2D-related disease. This variant is reported in 0.00096% of alleles in individuals of European (Non-Finnish) descent in gnomAD. At this time, the clinical significance of this variant is uncertain due to the absence of conclusive functional and genetic evidence.

Labcorp Genetics (formerly Invitae), Labcorp
Classification: Likely benign for Kabuki syndrome. Last evaluated: 2025-04-22. Review status: criteria provided, single submitter. Criteria: Invitae Variant Classification Sherloc (09022015). Collection method: clinical testing. Allele origin: germline.

ITMI
No classification provided. Condition: AllHighlyPenetrant. Last evaluated: 2013-09-19. Review status: no classification provided. Collection method: reference population. Allele origin: germline. Not counted in ClinVar's aggregate classification.
Comment: Please see associated publication for description of ethnicities

Literature cited by the submitters: PubMed 24728327 (cited by ITMI).

NM_003482.4(KMT2D):c.9418A>G (p.Lys3140Glu)

Gene: KMT2D (lysine methyltransferase 2D; minus strand). Cytogenetic location: 12q13.12.
Variant type: single nucleotide variant.
Coding change: c.9418A>G on transcript NM_003482.4 (MANE Select); coding-DNA position 9418, A replaced by G.
Protein change: p.Lys3140Glu; replaces lysine 3140 with glutamic acid.
Molecular consequence: missense variant.
Genome position (GRCh38, 1-based): chr12:49,037,938, T>C on the plus strand (A>G on the coding strand, the complement: KMT2D is on the minus strand). VCF-style: chr12-49037938-T-C. GRCh37 (hg19) VCF-style: chr12-49431721-T-C.
Other names: c.9418A>G (NM_003482.3); short protein forms K3140E.
Identifiers: ClinVar variation 134704 (VCV000134704.3), dbSNP rs587778470, ClinGen allele CA160575.